The following is an entry in ClinVar:

NM_001009944.3(PKD1):c.2716G>T (p.Glu906Ter)

Gene: PKD1 (polycystin 1, transient receptor potential channel interacting; minus strand). Cytogenetic location: 16p13.3.
Variant type: single nucleotide variant.
Coding change: c.2716G>T on transcript NM_001009944.3 (MANE Select); coding-DNA position 2716, G replaced by T.
Protein change: p.Glu906Ter; replaces glutamic acid 906 with a stop codon.
Molecular consequence: nonsense.
Genome position (GRCh38, 1-based): chr16:2,114,307, C>A on the plus strand (G>T on the coding strand, the complement: PKD1 is on the minus strand). VCF-style: chr16-2114307-C-A. GRCh37 (hg19) VCF-style: chr16-2164308-C-A.
Other names: c.2716G>T, p.Glu906Ter (NM_000296.4); short protein forms E906*.
Identifiers: ClinVar variation 1179091 (VCV001179091.11), dbSNP rs2151812964, ClinGen allele CA394386986.

ClinVar aggregate classification (germline): Pathogenic/Likely pathogenic. Review status: criteria provided, multiple submitters, no conflicts (2 of 4 stars). 3 submissions from 3 submitters: Pathogenic (1); Likely pathogenic (2). Last evaluated 2025-08-01.

Conditions:
PKD1-related disorder. Also called: PKD1-related condition.
Polycystic kidney disease, adult type (PKD1). Also called: Polycystic Kidney Disease 1, Autosomal Dominant; Polycystic kidney disease 1; Polycystic kidney disease 1, severe; POLYCYSTIC KIDNEY DISEASE 1 WITH OR WITHOUT POLYCYSTIC LIVER DISEASE; POLYCYSTIC KIDNEY DISEASE, ADULT, TYPE I; Polycystic Kidney, Autosomal Dominant. Identifiers: MedGen C3149841, MONDO:0008263, OMIM 173900.

Submissions (3):

CeGaT Center for Human Genetics Tuebingen
Classification: Pathogenic. Last evaluated: 2025-08-01. Review status: criteria provided, single submitter. Criteria: CeGaT Center For Human Genetics Tuebingen Variant Classification Criteria Version 2. Collection method: clinical testing. Allele origin: germline. Affected: yes. Observed: 1 variant allele.
Comment: PKD1: PVS1, PM2, PS4:Supporting

Blueprint Genetics
Classification: Likely pathogenic for PKD1-related disorders. Last evaluated: 2023-08-08. Review status: criteria provided, single submitter. Criteria: ACMG Guidelines, 2015. Collection method: clinical testing. Allele origin: germline. Affected: yes. Observed: 1 variant allele.

Fulgent Genetics
Classification: Likely pathogenic for Polycystic kidney disease, adult type. Last evaluated: 2021-06-30. Review status: criteria provided, single submitter. Criteria: ACMG Guidelines, 2015. Collection method: clinical testing. Allele origin: unknown.
Comment: This variant has been detected in individual(s) who were sent for testing of Renasight - kidney gene panel.